The following is an entry in ClinVar:

NM_006231.4(POLE):c.1183G>C (p.Gly395Arg)

Gene: POLE (DNA polymerase epsilon, catalytic subunit; minus strand). Cytogenetic location: 12q24.33.
Variant type: single nucleotide variant.
Coding change: c.1183G>C on transcript NM_006231.4 (MANE Select); coding-DNA position 1183, G replaced by C.
Protein change: p.Gly395Arg; replaces glycine 395 with arginine.
Molecular consequence: missense variant.
Genome position (GRCh38, 1-based): chr12:132,675,441, C>G on the plus strand (G>C on the coding strand, the complement: POLE is on the minus strand). VCF-style: chr12-132675441-C-G. GRCh37 (hg19) VCF-style: chr12-133252027-C-G.
Other names: c.1183G>C (NM_006231.2); short protein forms G395R.
Identifiers: ClinVar variation 943102 (VCV000943102.13), dbSNP rs1475049831, ClinGen allele CA387360842.

ClinVar aggregate classification (germline): Uncertain significance. Review status: criteria provided, multiple submitters, no conflicts (2 of 4 stars). 4 submissions from 4 submitters: Uncertain significance (4). Last evaluated 2025-12-29.

Conditions:
Hereditary cancer-predisposing syndrome. Also called: Neoplastic Syndromes, Hereditary; Hereditary Cancer Syndrome; Tumor predisposition; Hereditary neoplastic syndrome. Identifiers: Orphanet 140162, MedGen C0027672, MeSH D009386, MONDO:0015356.

Allele frequency attached by ClinVar (database versions not stated): gnomAD exomes below 0.00001.
gnomAD v4.1: 1 of 1,614,198 alleles (0.000062%); highest among the groups gnomAD compares: South Asian, 0.0011%; no homozygotes.

Submissions (4):

Center for Genomic Medicine, Rigshospitalet, Copenhagen University Hospital
Classification: Uncertain significance. Last evaluated: 2025-12-29. Review status: criteria provided, single submitter. Criteria: ACMG Guidelines, 2015. Collection method: clinical testing. Allele origin: germline.
Comment: Classification criteria: PM2_supporting, PP3

Labcorp Genetics (formerly Invitae), Labcorp
Classification: Uncertain significance. Last evaluated: 2024-11-24. Review status: criteria provided, single submitter. Criteria: Invitae Variant Classification Sherloc (09022015). Collection method: clinical testing. Allele origin: germline.
Comment: This sequence change replaces glycine, which is neutral and non-polar, with arginine, which is basic and polar, at codon 395 of the POLE protein (p.Gly395Arg). This variant is present in population databases (no rsID available, gnomAD 0.003%). This variant has not been reported in the literature in individuals affected with POLE-related conditions. ClinVar contains an entry for this variant (Variation ID: 943102). Invitae Evidence Modeling of protein sequence and biophysical properties (such as structural, functional, and spatial information, amino acid conservation, physicochemical variation, residue mobility, and thermodynamic stability) indicates that this missense variant is not expected to disrupt POLE protein function with a negative predictive value of 80%. In summary, the available evidence is currently insufficient to determine the role of this variant in disease. Therefore, it has been classified as a Variant of Uncertain Significance.

GeneDx
Classification: Uncertain significance. Last evaluated: 2023-11-01. Review status: criteria provided, single submitter. Criteria: GeneDx Variant Classification Process June 2021. Collection method: clinical testing. Allele origin: germline. Affected: yes.
Comment: Not observed at significant frequency in large population cohorts (gnomAD); In silico analysis supports that this missense variant has a deleterious effect on protein structure/function; Has not been previously published as pathogenic or benign to our knowledge; This variant is associated with the following publications: (PMID: 20951805)

Ambry Genetics
Classification: Uncertain significance for Hereditary cancer-predisposing syndrome. Last evaluated: 2023-07-05. Review status: criteria provided, single submitter. Criteria: Ambry Variant Classification Scheme 2023. Collection method: clinical testing. Allele origin: germline.
Comment: The p.G395R variant (also known as c.1183G>C), located in coding exon 12 of the POLE gene, results from a G to C substitution at nucleotide position 1183. The glycine at codon 395 is replaced by arginine, an amino acid with dissimilar properties. This amino acid position is conserved. In addition, the in silico prediction for this alteration is inconclusive. Since supporting evidence is limited at this time, the clinical significance of this alteration remains unclear.